The following is an entry in ClinVar:

ClinVar aggregate classification (germline): Benign/Likely benign. Review status: criteria provided, multiple submitters, no conflicts (2 of 4 stars). 7 submissions from 7 submitters: Benign (1); Likely benign (5). 1 of the submissions does not count toward it. Last evaluated 2026-01-27.

Conditions:
COL6A2-related disorder.
Bethlem myopathy 1A. Also called: Bethlem myopathy 1; Bethlem Muscular Dystrophy; MYOPATHY, BENIGN CONGENITAL, WITH CONTRACTURES. Identifiers: Orphanet 610, MedGen CN029274, MONDO:0024530, OMIM 158810.

Allele frequency attached by ClinVar (database versions not stated): gnomAD exomes 0.00025 and 0.00049; ExAC 0.00052; ESP Exome Variant Server 0.00154; gnomAD 0.00169 and 0.00173; TOPMed 0.00181; 1000 Genomes Project 0.00280; 1000 Genomes Project 30x 0.00297.
gnomAD v4.1: 646 of 1,607,008 alleles (0.04%); highest among the groups gnomAD compares: African/African-American, 0.57%; 3 homozygotes.

Submissions (7):

Labcorp Genetics (formerly Invitae), Labcorp
Classification: Likely benign for Bethlem myopathy 1A. Last evaluated: 2026-01-27. Review status: criteria provided, single submitter. Criteria: Invitae Variant Classification Sherloc (09022015). Collection method: clinical testing. Allele origin: germline.

Mayo Clinic Laboratories, Mayo Clinic
Classification: Likely benign. Last evaluated: 2025-02-03. Review status: criteria provided, single submitter. Criteria: ACMG Guidelines, 2015. Collection method: clinical testing. Allele origin: germline. Observed: 1 variant allele.
Comment: BS1, BP4_moderate

Blueprint Genetics
Classification: Likely benign. Last evaluated: 2024-11-25. Review status: criteria provided, single submitter. Criteria: ACMG Guidelines, 2015. Collection method: clinical testing. Allele origin: germline.

GeneDx
Classification: Likely benign. Last evaluated: 2018-02-16. Review status: criteria provided, single submitter. Criteria: GeneDx Variant Classification (06012015). Collection method: clinical testing. Allele origin: germline. Affected: yes.
Comment: This variant is considered likely benign or benign based on one or more of the following criteria: it is a conservative change, it occurs at a poorly conserved position in the protein, it is predicted to be benign by multiple in silico algorithms, and/or has population frequency not consistent with disease.

Athena Diagnostics
Classification: Likely benign. Last evaluated: 2017-12-19. Review status: criteria provided, single submitter. Criteria: Athena Diagnostics Criteria. Collection method: clinical testing. Allele origin: germline.

Eurofins Ntd Llc (ga)
Classification: Benign. Last evaluated: 2015-11-11. Review status: criteria provided, single submitter. Criteria: EGL Classification Definitions 2015. Collection method: clinical testing. Allele origin: germline. Observed: 1 variant allele, 1 heterozygote.

PreventionGenetics, part of Exact Sciences
Classification: Likely benign for COL6A2-related condition. Last evaluated: 2020-05-26. Review status: no assertion criteria provided. Collection method: clinical testing. Allele origin: germline. Not counted in ClinVar's aggregate classification.
Comment: This variant is classified as likely benign based on ACMG/AMP sequence variant interpretation guidelines (Richards et al. 2015 PMID: 25741868, with internal and published modifications).

NM_001849.4(COL6A2):c.3017C>T (p.Ala1006Val)

Gene: COL6A2 (collagen type VI alpha 2 chain; plus strand). Cytogenetic location: 21q22.3.
Variant type: single nucleotide variant.
Coding change: c.3017C>T on transcript NM_001849.4 (MANE Select); coding-DNA position 3017, C replaced by T.
Protein change: p.Ala1006Val; replaces alanine 1006 with valine.
Molecular consequence: missense variant.
Genome position (GRCh38, 1-based): chr21:46,132,509, C>T. VCF-style: chr21-46132509-C-T. GRCh37 (hg19) VCF-style: chr21-47552423-C-T.
Other names: p.Ala1006Val; short protein forms A1006V.
Identifiers: ClinVar variation 284831 (VCV000284831.20), dbSNP rs113169531, ClinGen allele CA10073140.